The following is an entry in ClinVar:

ClinVar aggregate classification (germline): Pathogenic/Likely pathogenic. Review status: criteria provided, multiple submitters, no conflicts (2 of 4 stars). 2 submissions from 2 submitters: Pathogenic (1); Likely pathogenic (1). Last evaluated 2025-03-03.

Conditions:
Charlevoix-Saguenay spastic ataxia (SACS). Also called: SPASTIC ATAXIA 6, AUTOSOMAL RECESSIVE; AUTOSOMAL RECESSIVE SPASTIC ATAXIA OF CHARLEVOIX-SAGUENAY; Spastic ataxia of Charlevoix-Saguenay. Identifiers: Orphanet 98, MedGen C1849140, MONDO:0010041, OMIM 270550.

Submissions (2):

Myriad Genetics, Inc.
Classification: Pathogenic for Charlevoix-Saguenay spastic ataxia. Last evaluated: 2025-03-03. Review status: criteria provided, single submitter. Criteria: Myriad Autosomal Dominant, Autosomal Recessive and X-Linked Classification Criteria (2023). Collection method: clinical testing. Allele origin: unknown.
Comment: NM_014363.4(SACS):c.7962T>A(Y2654*) is a nonsense variant classified as pathogenic in the context of autosomal recessive spastic ataxia of Charlevoix-Saguenay. Y2654* has been observed in a case with relevant disease (PMID: 27600236). Relevant functional assessments of this variant are not available in the literature. Y2654* has not been observed in referenced population frequency databases. In summary, NM_014363.4(SACS):c.7962T>A(Y2654*) is a nonsense variant in a gene where loss of function is a known mechanism of disease, is predicted to disrupt protein function, and has been observed more frequently in cases with the relevant disease than in healthy populations. Please note: this variant was assessed in the context of healthy population screening.

Baylor Genetics
Classification: Likely pathogenic for Charlevoix-Saguenay spastic ataxia. Last evaluated: 2024-02-11. Review status: criteria provided, single submitter. Criteria: ACMG Guidelines, 2015. Collection method: clinical testing. Allele origin: unknown.

Literature cited by the submitters: PubMed 27600236 (cited by Myriad Genetics, Inc.).

NM_014363.6(SACS):c.7962T>A (p.Tyr2654Ter)

Gene: SACS (sacsin molecular chaperone; minus strand). Cytogenetic location: 13q12.12.
Variant type: single nucleotide variant.
Coding change: c.7962T>A on transcript NM_014363.6 (MANE Select); coding-DNA position 7962, T replaced by A.
Protein change: p.Tyr2654Ter; replaces tyrosine 2654 with a stop codon.
Molecular consequence: nonsense.
Genome position (GRCh38, 1-based): chr13:23,335,914, A>T on the plus strand (T>A on the coding strand, the complement: SACS is on the minus strand). VCF-style: chr13-23335914-A-T. GRCh37 (hg19) VCF-style: chr13-23910053-A-T.
Other names: c.7521T>A, p.Tyr2507Ter (NM_001278055.2); short protein forms Y2507*, Y2654*.
Identifiers: ClinVar variation 3240402 (VCV003240402.2), dbSNP rs777875035.
Genomic context (GRCh38, chr13:23,335,914, plus strand): 5'-AAAATCTGCATCCAAATCTCTAAACATGCGTCCGGGACTAATGGATGTGGCCCCTGGTGC[A>T]TATCTGGCATGAGGATCAAAAATACACAGGATGTCATTGCCAGAAATAAAAGATGGGCAG-3'